The following is an entry in ClinVar:

NM_001042492.3(NF1):c.4967C>T (p.Thr1656Ile)

Gene: NF1 (neurofibromin 1; plus strand). Cytogenetic location: 17q11.2.
Variant type: single nucleotide variant.
Coding change: c.4967C>T on transcript NM_001042492.3 (MANE Select); coding-DNA position 4967, C replaced by T.
Protein change: p.Thr1656Ile; replaces threonine 1656 with isoleucine.
Molecular consequence: missense variant.
Genome position (GRCh38, 1-based): chr17:31,325,951, C>T. VCF-style: chr17-31325951-C-T. GRCh37 (hg19) VCF-style: chr17-29652969-C-T.
Other names: c.4904C>T, p.Thr1635Ile (NM_000267.4); short protein forms T1656I, T1635I.
Identifiers: ClinVar variation 1744003 (VCV001744003.2), dbSNP rs2151537921, ClinGen allele CA399007214.

ClinVar aggregate classification (germline): Uncertain significance (1 of 4 stars; one submission).

Conditions:
Cardiovascular phenotype. Identifiers: MedGen CN230736.
Hereditary cancer-predisposing syndrome. Also called: Hereditary Cancer Syndrome; Neoplastic Syndromes, Hereditary; Tumor predisposition; Hereditary neoplastic syndrome. Identifiers: Orphanet 140162, MedGen C0027672, MeSH D009386, MONDO:0015356.

Submission:

Ambry Genetics
Classification: Uncertain significance for Cardiovascular phenotype; Hereditary cancer-predisposing syndrome. Last evaluated: 2020-04-07. Review status: criteria provided, single submitter. Criteria: Ambry Variant Classification Scheme 2023. Collection method: clinical testing. Allele origin: germline.
Comment: The p.T1635I variant (also known as c.4904C>T), located in coding exon 36 of the NF1 gene, results from a C to T substitution at nucleotide position 4904. The threonine at codon 1635 is replaced by isoleucine, an amino acid with similar properties. This amino acid position is highly conserved in available vertebrate species. In addition, the in silico prediction for this alteration is inconclusive. Since supporting evidence is limited at this time, the clinical significance of this alteration remains unclear.